The following is an entry in ClinVar:

NM_000128.4(F11):c.1521_1533delinsTGTGTATA (p.Arg507fs)

Genes: F11 (coagulation factor XI; plus strand), F11-AS1 (F11 antisense RNA 1; minus strand). Cytogenetic location: 4q35.2.
Variant type: Indel.
Coding change: c.1521_1533delinsTGTGTATA on transcript NM_000128.4 (MANE Select); coding-DNA positions 1521 to 1533, AAATGTAATATAC replaced by TGTGTATA.
Protein change: p.Arg507fs; shifts the reading frame from arginine 507.
Molecular consequence: frameshift variant. On other transcripts: intron variant (4).
Genome position (GRCh38, 1-based): chr4:186,286,455-186,286,467, AAATGTAATATAC replaced by TGTGTATA. VCF-style: chr4-186286455-AAATGTAATATAC-TGTGTATA. GRCh37 (hg19) VCF-style: chr4-187207609-AAATGTAATATAC-TGTGTATA.
Other names: c.1473_1485delinsTGTGTATA, p.Arg491fs (NM_001440590.1); c.1251_1263delinsTGTGTATA, p.Arg417fs (NM_001440605.1); c.1203_1215delinsTGTGTATA, p.Arg401fs (NM_001440606.1); c.1480+642_1480+654delinsTGTGTATA (NM_001440593.1); c.1432+642_1432+654delinsTGTGTATA (NM_001440596.1); c.1210+642_1210+654delinsTGTGTATA (NM_001440607.1); c.1162+642_1162+654delinsTGTGTATA (NM_001440608.1); short protein forms R401fs, R417fs, R491fs, R507fs.
Identifiers: ClinVar variation 5016379 (VCV005016379.1).

ClinVar aggregate classification (germline): Pathogenic (1 of 4 stars; one submission).

Conditions:
Hereditary factor XI deficiency disease. Also called: PLASMA THROMBOPLASTIN ANTECEDENT DEFICIENCY; PTA DEFICIENCY; ROSENTHAL SYNDROME; Congenital factor XI deficiency. Identifiers: Orphanet 329, MedGen C0015523, MeSH D005173, MONDO:0012897, OMIM 612416.

Submission:

Myriad Genetics, Inc.
Classification: Pathogenic for Hereditary factor XI deficiency disease. Last evaluated: 2024-05-14. Review status: criteria provided, single submitter. Criteria: Myriad Autosomal Dominant, Autosomal Recessive and X-Linked Classification Criteria (2023). Collection method: clinical testing. Allele origin: unknown.
Comment: NM_000128.3(F11):c.1521_1533del13ins8(R507Sfs*5) is expected to be pathogenic in the context of factor XI deficiency. This variant is predicted to lead to an abnormal or absent protein product due to the creation of a premature termination codon in F11, a gene where loss-of-function variants are known to be pathogenic. Please note: this variant was assessed in the context of healthy population screening.